The following is an entry in ClinVar:

NM_152383.5(DIS3L2):c.545C>T (p.Thr182Ile)

Gene: DIS3L2 (DIS3 like 3'-5' exoribonuclease 2; plus strand). Cytogenetic location: 2q37.1.
Variant type: single nucleotide variant.
Coding change: c.545C>T on transcript NM_152383.5 (MANE Select); coding-DNA position 545, C replaced by T.
Protein change: p.Thr182Ile; replaces threonine 182 with isoleucine.
Molecular consequence: missense variant. On other transcripts: non-coding transcript variant (2).
Genome position (GRCh38, 1-based): chr2:232,087,665, C>T. VCF-style: chr2-232087665-C-T. GRCh37 (hg19) VCF-style: chr2-232952375-C-T.
Other names: c.545C>T, p.Thr182Ile (NM_001257281.2, NM_001257282.2); short protein forms T182I.
Identifiers: ClinVar variation 1359020 (VCV001359020.6), dbSNP rs2106309618, ClinGen allele CA351155218.
Genomic context (GRCh38, chr2:232,087,665, plus strand): 5'-CTGATGTCATTGTAGAGGCTCAGTTTGATGGCAGCGACTCAGAAGATGGACATGGCATCA[C>T]ACAAAATGTGCTGGTTGATGGTGTTAAGAAACTCTCAGTTTGTGTTTCTGAGAAAGGTGA-3'
Protein context (NP_689596.4, residues 172-192): GSDSEDGHGI[Thr182Ile]QNVLVDGVKK

ClinVar aggregate classification (germline): Uncertain significance (1 of 4 stars; one submission).

Conditions:
Perlman syndrome (PRLMNS). Identifiers: Orphanet 2849, MedGen C0796113, MONDO:0009965, OMIM 267000.

Allele frequency attached by ClinVar (database versions not stated): gnomAD exomes below 0.00001.
gnomAD v4.1: 1 of 1,614,160 alleles (0.000062%); highest among the groups gnomAD compares: Non-Finnish European, 0.000085%; no homozygotes.

Submission:

Labcorp Genetics (formerly Invitae), Labcorp
Classification: Uncertain significance for Perlman syndrome. Last evaluated: 2021-08-05. Review status: criteria provided, single submitter. Criteria: Invitae Variant Classification Sherloc (09022015). Collection method: clinical testing. Allele origin: germline.
Comment: This sequence change replaces threonine with isoleucine at codon 182 of the DIS3L2 protein (p.Thr182Ile). The threonine residue is weakly conserved and there is a moderate physicochemical difference between threonine and isoleucine. This variant is not present in population databases (ExAC no frequency). This variant has not been reported in the literature in individuals affected with DIS3L2-related conditions. Algorithms developed to predict the effect of missense changes on protein structure and function output the following: SIFT: "Tolerated"; PolyPhen-2: "Benign"; Align-GVGD: "Class C0". The isoleucine amino acid residue is found in multiple mammalian species, which suggests that this missense change does not adversely affect protein function. In summary, the available evidence is currently insufficient to determine the role of this variant in disease. Therefore, it has been classified as a Variant of Uncertain Significance.